The following is an entry in ClinVar:

NM_001372044.2(SHANK3):c.4268C>G (p.Ala1423Gly)

Gene: SHANK3 (SH3 and multiple ankyrin repeat domains 3; plus strand). Cytogenetic location: 22q13.33.
Variant type: single nucleotide variant.
Coding change: c.4268C>G on transcript NM_001372044.2 (MANE Select); coding-DNA position 4268, C replaced by G.
Protein change: p.Ala1423Gly; replaces alanine 1423 with glycine.
Molecular consequence: missense variant.
Genome position (GRCh38, 1-based): chr22:50,721,876, C>G. VCF-style: chr22-50721876-C-G. GRCh37 (hg19) VCF-style: chr22-51160304-C-G.
Other names: c.4043C>G (NM_033517.1); short protein forms A1423G.
Identifiers: ClinVar variation 1308375 (VCV001308375.2), dbSNP rs756226608, ClinGen allele CA515263773.

ClinVar aggregate classification (germline): Uncertain significance (1 of 4 stars; one submission).

Submission:

GeneDx
Classification: Uncertain significance. Last evaluated: 2019-04-11. Review status: criteria provided, single submitter. Criteria: GeneDx Variant Classification Process June 2021. Collection method: clinical testing. Allele origin: germline. Affected: yes.
Comment: Not observed in large population cohorts (Lek et al., 2016); In silico analysis, which includes protein predictors and evolutionary conservation, supports that this variant does not alter protein structure/function; Has not been previously published as pathogenic or benign to our knowledge